The following is an entry in ClinVar:

ClinVar aggregate classification (germline): Likely benign (1 of 4 stars; one submission).

Conditions:
TNC-related disorder. Also called: TNC-related condition.

gnomAD v4.1: 59 of 1,614,084 alleles (0.0037%); highest among the groups gnomAD compares: African/African-American, 0.065%; no homozygotes.

Submission:

PreventionGenetics, part of Exact Sciences
Classification: Likely benign for TNC-related condition. Last evaluated: 2026-05-11. Review status: criteria provided, single submitter. Criteria: ACMG Guidelines, 2015. Collection method: clinical testing. Allele origin: germline.
Comment: This variant is classified as likely benign based on ACMG/AMP sequence variant interpretation guidelines (Richards et al. 2015 PMID: 25741868, with internal and published modifications).

NM_002160.4(TNC):c.1962C>T (p.Val654=)

Gene: TNC (tenascin C; minus strand). Cytogenetic location: 9q33.1.
Variant type: single nucleotide variant.
Coding change: c.1962C>T on transcript NM_002160.4 (MANE Select); coding-DNA position 1962, C replaced by T.
Protein change: p.Val654=; no amino-acid change (valine 654 retained).
Molecular consequence: synonymous variant.
Genome position (GRCh38, 1-based): chr9:115,084,378, G>A on the plus strand (C>T on the coding strand, the complement: TNC is on the minus strand). VCF-style: chr9-115084378-G-A. GRCh37 (hg19) VCF-style: chr9-117846657-G-A.
Other names: c.1962C>T, p.Val654= (NM_001410991.1, NM_001439065.1, NM_001439066.1 and 35 more transcripts).
Identifiers: ClinVar variation 4985706 (VCV004985706.1).